The following is an entry in ClinVar:

NM_001367805.3(KIF23):c.952G>A (p.Val318Met)

Gene: KIF23 (kinesin family member 23; plus strand). Cytogenetic location: 15q23.
Variant type: single nucleotide variant.
Coding change: c.952G>A on transcript NM_001367805.3 (MANE Select); coding-DNA position 952, G replaced by A.
Protein change: p.Val318Met; replaces valine 318 with methionine.
Molecular consequence: missense variant. On other transcripts: non-coding transcript variant (2).
Genome position (GRCh38, 1-based): chr15:69,426,398, G>A. VCF-style: chr15-69426398-G-A. GRCh37 (hg19) VCF-style: chr15-69718737-G-A.
Other names: c.580G>A, p.Val194Met (NM_001281301.2); c.910G>A, p.Val304Met (NM_001367804.2, NM_004856.7, NM_138555.4); short protein forms V194M, V304M, V318M.
Identifiers: ClinVar variation 3612601 (VCV003612601.2).

ClinVar aggregate classification (germline): Uncertain significance (1 of 4 stars; one submission).

gnomAD v4.1: 13 of 1,613,938 alleles (0.00081%); highest among the groups gnomAD compares: South Asian, 0.0011%; no homozygotes.

Submission:

Labcorp Genetics (formerly Invitae), Labcorp
Classification: Uncertain significance. Last evaluated: 2024-05-18. Review status: criteria provided, single submitter. Criteria: Invitae Variant Classification Sherloc (09022015). Collection method: clinical testing. Allele origin: germline.
Comment: This sequence change replaces valine, which is neutral and non-polar, with methionine, which is neutral and non-polar, at codon 304 of the KIF23 protein (p.Val304Met). This variant is present in population databases (no rsID available, gnomAD 0.003%). This variant has not been reported in the literature in individuals affected with KIF23-related conditions. Advanced modeling of protein sequence and biophysical properties (such as structural, functional, and spatial information, amino acid conservation, physicochemical variation, residue mobility, and thermodynamic stability) performed at Invitae indicates that this missense variant is expected to disrupt KIF23 protein function with a positive predictive value of 80%. In summary, the available evidence is currently insufficient to determine the role of this variant in disease. Therefore, it has been classified as a Variant of Uncertain Significance.